The following is an entry in ClinVar:

NM_001001411.3(ZNF676):c.1266G>A (p.Lys422=)

Gene: ZNF676 (zinc finger protein 676). Cytogenetic location: 19p12.
Variant type: single nucleotide variant.
Coding change: c.1266G>A on transcript NM_001001411.3 (MANE Select); coding-DNA position 1266, G replaced by A.
Protein change: p.Lys422=; no amino-acid change (lysine 422 retained).
Molecular consequence: synonymous variant.
Genome position (GRCh38, 1-based): chr19:22,180,451, C>T on the plus strand (G>A on the coding strand, the complement: ZNF676 is on the minus strand). VCF-style: chr19-22180451-C-T. GRCh37 (hg19) VCF-style: chr19-22363253-C-T.
Identifiers: ClinVar variation 3777821 (VCV003777821.7).

ClinVar aggregate classification (germline): Likely benign (1 of 4 stars; one submission).

Submission:

CeGaT Center for Human Genetics Tuebingen
Classification: Likely benign. Last evaluated: 2025-03-01. Review status: criteria provided, single submitter. Criteria: CeGaT Center For Human Genetics Tuebingen Variant Classification Criteria Version 2. Collection method: clinical testing. Allele origin: germline. Affected: yes. Observed: 1 variant allele.
Comment: ZNF676: BP4, BP7